The following is an entry in ClinVar:

NM_006204.4(PDE6C):c.2053del (p.Gln685fs)

Gene: PDE6C (phosphodiesterase 6C; plus strand). Cytogenetic location: 10q23.33.
Variant type: Deletion.
Coding change: c.2053del on transcript NM_006204.4 (MANE Select); coding-DNA position 2053, one base deleted (C; older notation c.2053delC).
Protein change: p.Gln685fs; shifts the reading frame from glutamine 685.
Molecular consequence: frameshift variant.
Genome position (GRCh38, 1-based): chr10:93,658,917, C deleted. VCF-style (leftmost placement, unchanged base first): chr10-93658916-TC-T. GRCh37 (hg19) VCF-style: chr10-95418673-TC-T.
Other names: NM_006204.4:c.2053del; short protein forms Q685fs.
Identifiers: ClinVar variation 2412714 (VCV002412714.2), dbSNP rs2492563607, ClinGen allele CA2573332001.

ClinVar aggregate classification (germline): Pathogenic/Likely pathogenic. Review status: criteria provided, multiple submitters, no conflicts (2 of 4 stars). 2 submissions from 2 submitters: Pathogenic (1); Likely pathogenic (1). Last evaluated 2025-04-08.

Conditions:
Cone dystrophy 4 (COD4). Identifiers: Orphanet 49382, MedGen C2751308, MONDO:0013129, OMIM 613093.

Submissions (2):

3billion
Classification: Pathogenic for Cone dystrophy 4. Last evaluated: 2025-04-08. Review status: criteria provided, single submitter. Criteria: ACMG Guidelines, 2015. Collection method: clinical testing. Allele origin: germline. Affected: yes.
Comment: The variant is not observed in the gnomAD v4.1.0 dataset. Predicted Consequence/Location: Frameshift: predicted to result in a loss or disruption of normal protein function through nonsense-mediated decay (NMD) or protein truncation. Multiple pathogenic variants are reported downstream of the variant. The variant has been reported to be associated with PDE6C-related disorder (ClinVar ID: VCV002412714). Therefore, this variant is classified as Pathogenic according to the recommendation of ACMG/AMP guideline.

Broad Center for Mendelian Genomics, Broad Institute of MIT and Harvard
Classification: Likely pathogenic for Cone dystrophy 4. Last evaluated: 2023-01-25. Review status: criteria provided, single submitter. Criteria: ACMG Guidelines, 2015. Collection method: curation. Allele origin: germline. Inheritance: Autosomal recessive inheritance.
Comment: The p.Gln685LysfsTer20 variant in PDE6C has not been previously reported in individuals with autosomal recessive cone dystrophy 4. This variant was absent from large population studies. This variant is predicted to cause a frameshift, which alters the protein‚Äôs amino acid sequence beginning at position 685 and leads to a premature termination codon 20 amino acids downstream. This alteration is then predicted to lead to a truncated or absent protein. Loss of function of the PDE6C gene is an established disease mechanism in autosomal recessive cone-rod dystrophy 15. In summary, although additional studies are required to fully establish its clinical significance, this variant is likely pathogenic for autosomal recessive cone dystrophy 4. ACMG/AMP Criteria applied: PVS1, PM2_Supporting (Richards 2015).